The following is an entry in ClinVar:

ClinVar aggregate classification (germline): Uncertain significance (1 of 4 stars; one submission).

Allele frequency attached by ClinVar (database versions not stated): gnomAD exomes below 0.00001; ExAC 0.00001.
gnomAD v4.1: 2 of 1,613,654 alleles (0.00012%); highest among the groups gnomAD compares: Non-Finnish European, 0.00017%; no homozygotes.

Submission:

GeneDx
Classification: Uncertain significance. Last evaluated: 2024-03-07. Review status: criteria provided, single submitter. Criteria: GeneDx Variant Classification Process June 2021. Collection method: clinical testing. Allele origin: germline. Affected: yes.
Comment: Not observed at significant frequency in large population cohorts (gnomAD); In silico analysis supports that this missense variant does not alter protein structure/function; Has not been previously published as pathogenic or benign to our knowledge

NM_001190274.2(FBXO11):c.2393A>G (p.Asn798Ser)

Genes: FBXO11 (F-box protein 11; minus strand), MSH6 (mutS homolog 6; plus strand). Cytogenetic location: 2p16.3.
Variant type: single nucleotide variant.
Coding change: c.2393A>G on transcript NM_001190274.2 (MANE Select); coding-DNA position 2393, A replaced by G.
Protein change: p.Asn798Ser; replaces asparagine 798 with serine.
Molecular consequence: missense variant.
Genome position (GRCh38, 1-based): chr2:47,809,653, T>C on the plus strand (A>G on the coding strand, the complement: FBXO11 is on the minus strand). VCF-style: chr2-47809653-T-C. GRCh37 (hg19) VCF-style: chr2-48036792-T-C.
Other names: c.2141A>G, p.Asn714Ser (NM_001374325.1, NM_025133.4); short protein forms N714S, N798S.
Identifiers: ClinVar variation 1314140 (VCV001314140.3), dbSNP rs752266773, ClinGen allele CA069638.